The following is an entry in ClinVar:

ClinVar aggregate classification (germline): Uncertain significance (1 of 4 stars; one submission).

Conditions:
Developmental and epileptic encephalopathy, 42 (DEE42A). Also called: Epileptic encephalopathy, early infantile, 42; DEVELOPMENTAL AND EPILEPTIC ENCEPHALOPATHY 42A; EPILEPTIC ENCEPHALOPATHY, EARLY INFANTILE, 42A. Identifiers: MedGen C4310716, MONDO:0014917, OMIM 617106.
Episodic ataxia type 2 (EA2). Also called: ACETAZOLAMIDE-RESPONSIVE HEREDITARY PAROXYSMAL CEREBELLAR ATAXIA; ATAXIA, EPISODIC, WITH NYSTAGMUS; ATAXIA, FAMILIAL PAROXYSMAL; CEREBELLAR ATAXIA, PAROXYSMAL, ACETAZOLAMIDE-RESPONSIVE; CEREBELLOPATHY, HEREDITARY PAROXYSMAL; EPISODIC ATAXIA, NYSTAGMUS-ASSOCIATED. Identifiers: Orphanet 97, MedGen C1720416, MONDO:0007163, OMIM 108500.

Submission:

Labcorp Genetics (formerly Invitae), Labcorp
Classification: Uncertain significance for Developmental and epileptic encephalopathy, 42; Episodic ataxia type 2. Last evaluated: 2022-02-04. Review status: criteria provided, single submitter. Criteria: Invitae Variant Classification Sherloc (09022015). Collection method: clinical testing. Allele origin: germline.
Comment: In summary, the available evidence is currently insufficient to determine the role of this variant in disease. Therefore, it has been classified as a Variant of Uncertain Significance. Advanced modeling of protein sequence and biophysical properties (such as structural, functional, and spatial information, amino acid conservation, physicochemical variation, residue mobility, and thermodynamic stability) performed at Invitae indicates that this missense variant is not expected to disrupt CACNA1A protein function. ClinVar contains an entry for this variant (Variation ID: 1006992). This variant has not been reported in the literature in individuals affected with CACNA1A-related conditions. This variant is not present in population databases (gnomAD no frequency). This sequence change replaces serine, which is neutral and polar, with asparagine, which is neutral and polar, at codon 1334 of the CACNA1A protein (p.Ser1334Asn).

NM_001127222.2(CACNA1A):c.3998G>A (p.Ser1333Asn)

Gene: CACNA1A (calcium voltage-gated channel subunit alpha1 A; minus strand). Cytogenetic location: 19p13.13.
Variant type: single nucleotide variant.
Coding change: c.3998G>A on transcript NM_001127222.2 (MANE Select); coding-DNA position 3998, G replaced by A.
Protein change: p.Ser1333Asn; replaces serine 1333 with asparagine.
Molecular consequence: missense variant.
Genome position (GRCh38, 1-based): chr19:13,262,825, C>T on the plus strand (G>A on the coding strand, the complement: CACNA1A is on the minus strand). VCF-style: chr19-13262825-C-T. GRCh37 (hg19) VCF-style: chr19-13373639-C-T.
Other names: c.4010G>A, p.Ser1337Asn (NM_000068.4, NM_023035.3); c.4001G>A, p.Ser1334Asn (NM_001127221.2, NM_001174080.2); short protein forms S1333N, S1334N, S1337N.
Identifiers: ClinVar variation 1006992 (VCV001006992.9), dbSNP rs2056768399, ClinGen allele CA404340099.